The following is an entry in ClinVar:

NM_004360.5(CDH1):c.2423G>A (p.Gly808Glu)

Gene: CDH1 (cadherin 1; plus strand). Cytogenetic location: 16q22.1.
Variant type: single nucleotide variant.
Coding change: c.2423G>A on transcript NM_004360.5 (MANE Select); coding-DNA position 2423, G replaced by A.
Protein change: p.Gly808Glu; replaces glycine 808 with glutamic acid.
Molecular consequence: missense variant.
Genome position (GRCh38, 1-based): chr16:68,829,781, G>A. VCF-style: chr16-68829781-G-A. GRCh37 (hg19) VCF-style: chr16-68863684-G-A.
Other names: c.2240G>A, p.Gly747Glu (NM_001317184.2); c.875G>A, p.Gly292Glu (NM_001317185.2); c.458G>A, p.Gly153Glu (NM_001317186.2); short protein forms G153E, G292E, G747E, G808E.
Identifiers: ClinVar variation 2680425 (VCV002680425.4), dbSNP rs2152142458, ClinGen allele CA396471317.

ClinVar aggregate classification (germline): Uncertain significance. Review status: criteria provided, multiple submitters, no conflicts (2 of 4 stars). 3 submissions from 3 submitters: Uncertain significance (3). Last evaluated 2025-08-09.

Conditions:
Hereditary diffuse gastric adenocarcinoma (HDGC). Also called: DIFFUSE GASTRIC AND LOBULAR BREAST CANCER SYNDROME. Identifiers: Orphanet 26106, MedGen C1708349, MONDO:0007648, OMIM 137215.
Hereditary cancer-predisposing syndrome. Also called: Tumor predisposition; Hereditary neoplastic syndrome; Neoplastic Syndromes, Hereditary; Hereditary Cancer Syndrome. Identifiers: Orphanet 140162, MedGen C0027672, MeSH D009386, MONDO:0015356.
Familial cancer of breast. Also called: hereditary breast carcinoma; BREAST CANCER, FAMILIAL; Hereditary breast cancer. Identifiers: Orphanet 227535, MedGen C0346153, MONDO:0016419, OMIM 114480. Disease mechanism: loss of function.

Submissions (3):

Ambry Genetics
Classification: Uncertain significance for Hereditary cancer-predisposing syndrome. Last evaluated: 2025-08-09. Review status: criteria provided, single submitter. Criteria: Ambry Variant Classification Scheme 2023. Collection method: clinical testing. Allele origin: germline.
Comment: The p.G808E variant (also known as c.2423G>A), located in coding exon 15 of the CDH1 gene, results from a G to A substitution at nucleotide position 2423. The glycine at codon 808 is replaced by glutamic acid, an amino acid with similar properties. This amino acid position is conserved. In addition, this alteration is predicted to be deleterious by in silico analysis. Based on the available evidence, the clinical significance of this variant remains unclear.

Labcorp Genetics (formerly Invitae), Labcorp
Classification: Uncertain significance for Hereditary diffuse gastric adenocarcinoma. Last evaluated: 2024-04-11. Review status: criteria provided, single submitter. Criteria: Invitae Variant Classification Sherloc (09022015). Collection method: clinical testing. Allele origin: germline.
Comment: This sequence change replaces glycine, which is neutral and non-polar, with glutamic acid, which is acidic and polar, at codon 808 of the CDH1 protein (p.Gly808Glu). This variant is not present in population databases (gnomAD no frequency). This variant has not been reported in the literature in individuals affected with CDH1-related conditions. An algorithm developed to predict the effect of missense changes on protein structure and function (PolyPhen-2) suggests that this variant is likely to be disruptive. In summary, the available evidence is currently insufficient to determine the role of this variant in disease. Therefore, it has been classified as a Variant of Uncertain Significance.

Baylor Genetics
Classification: Uncertain significance for Familial cancer of breast. Last evaluated: 2023-10-23. Review status: criteria provided, single submitter. Criteria: ACMG Guidelines, 2015. Collection method: clinical testing. Allele origin: unknown.